The following is an entry in ClinVar:

ClinVar aggregate classification (germline): Uncertain significance (1 of 4 stars; one submission).

Conditions:
Dyskeratosis congenita. Identifiers: Orphanet 1775, MedGen C0265965, MONDO:0015780.

Submission:

Labcorp Genetics (formerly Invitae), Labcorp
Classification: Uncertain significance for Dyskeratosis congenita. Last evaluated: 2025-11-11. Review status: criteria provided, single submitter. Criteria: Invitae Variant Classification Sherloc (09022015). Collection method: clinical testing. Allele origin: germline.
Comment: This sequence change replaces threonine, which is neutral and polar, with isoleucine, which is neutral and non-polar, at codon 497 of the DKC1 protein (p.Thr497Ile). This variant is not present in population databases (gnomAD no frequency). This variant has not been reported in the literature in individuals affected with DKC1-related conditions. An algorithm developed to predict the effect of missense changes on protein structure and function (PolyPhen-2) suggests that this variant is likely to be tolerated. In summary, the available evidence is currently insufficient to determine the role of this variant in disease. Therefore, it has been classified as a Variant of Uncertain Significance.

NM_001363.5(DKC1):c.1490C>T (p.Thr497Ile)

Gene: DKC1 (dyskerin pseudouridine synthase 1; plus strand). Cytogenetic location: Xq28.
Variant type: single nucleotide variant.
Coding change: c.1490C>T on transcript NM_001363.5 (MANE Select); coding-DNA position 1490, C replaced by T.
Protein change: p.Thr497Ile; replaces threonine 497 with isoleucine.
Molecular consequence: missense variant. On other transcripts: 3 prime UTR variant (1), non-coding transcript variant (3).
Genome position (GRCh38, 1-based): chrX:154,776,812, C>T. VCF-style: chrX-154776812-C-T. GRCh37 (hg19) VCF-style: chrX-154005087-C-T.
Other names: c.1475C>T, p.Thr492Ile (NM_001142463.3); c.*716C>T (NM_001288747.2); short protein forms T492I, T497I.
Identifiers: ClinVar variation 4798093 (VCV004798093.1).
Genomic context (GRCh38, chrX:154,776,812, plus strand): 5'-TTTGTTAGTGGATGGTATCTGTGAGCTTTCATTCTCTTTCTTTCTAGGACAGTGATACCA[C>T]CAAGAAGAAGAAGAAGAAGAAGAAAGCAAAAGAGGTAGAATTGGTTTCTGAGTAGTGAAG-3'
Protein context (NP_001354.1, residues 487-507): AEPGDGDSDT[Thr497Ile]KKKKKKKKAK